The following is an entry in ClinVar:

NM_058174.3(COL6A2):c.2651C>T (p.Ala884Val)

Gene: COL6A2 (collagen type VI alpha 2 chain; plus strand). Cytogenetic location: 21q22.3.
Variant type: single nucleotide variant.
Coding change: c.2651C>T on transcript NM_058174.3 (MANE Plus Clinical); coding-DNA position 2651, C replaced by T.
Protein change: p.Ala884Val; replaces alanine 884 with valine.
Molecular consequence: missense variant. On other transcripts: 3 prime UTR variant (1), intron variant (1).
Genome position (GRCh38, 1-based): chr21:46,129,385, C>T. VCF-style: chr21-46129385-C-T. GRCh37 (hg19) VCF-style: chr21-47549299-C-T.
Other names: c.*457C>T (NM_058175.3); c.2462-2569C>T (NM_001849.4); short protein forms A884V.
Identifiers: ClinVar variation 3355499 (VCV003355499.1).
Genomic context (GRCh38, chr21:46,129,385, plus strand): 5'-CGGCCGCCTACTCCCAGCTGGTGGCCGTGCTGGTCTACACCGCCGAGCGGGCCAAGTTCG[C>T]CACCGGGGTAGAGCGGCAGGACTGGATGGAGCTGTTCATTGACACCTTTAAGCTGGTGCA-3'
Protein context (NP_478054.2, residues 874-894): LVYTAERAKF[Ala884Val]TGVERQDWME

ClinVar aggregate classification (germline): Uncertain significance (0 of 4 stars; one submission).

Conditions:
COL6A2-related disorder.

Submission:

PreventionGenetics, part of Exact Sciences
Classification: Uncertain significance for COL6A2-related condition. Last evaluated: 2024-07-18. Review status: no assertion criteria provided. Collection method: clinical testing. Allele origin: germline.
Comment: The COL6A2 c.2651C>T variant is predicted to result in the amino acid substitution p.Ala884Val. To our knowledge, this variant has not been reported in the literature or in a large population database, indicating this variant is rare. At this time, the clinical significance of this variant is uncertain due to the absence of conclusive functional and genetic evidence.